The following is an entry in ClinVar:

NM_013275.6(ANKRD11):c.1372C>T (p.Arg458Ter)

Gene: ANKRD11 (ankyrin repeat domain 11; minus strand). Cytogenetic location: 16q24.3.
Variant type: single nucleotide variant.
Coding change: c.1372C>T on transcript NM_013275.6 (MANE Select); coding-DNA position 1372, C replaced by T.
Protein change: p.Arg458Ter; replaces arginine 458 with a stop codon.
Molecular consequence: nonsense.
Genome position (GRCh38, 1-based): chr16:89,285,170, G>A on the plus strand (C>T on the coding strand, the complement: ANKRD11 is on the minus strand). VCF-style: chr16-89285170-G-A. GRCh37 (hg19) VCF-style: chr16-89351578-G-A.
Other names: c.1372C>T, p.Arg458Ter (NM_001256182.2, NM_001256183.2); c.1372C>T (NM_001256183.1); short protein forms R458*.
Identifiers: ClinVar variation 694682 (VCV000694682.54), dbSNP rs900492387, ClinGen allele CA397165093.

ClinVar aggregate classification (germline): Pathogenic. Review status: criteria provided, multiple submitters, no conflicts (2 of 4 stars). 9 submissions from 9 submitters: Pathogenic (9). Last evaluated 2025-06-06.

Conditions:
KBG syndrome (KBGS). Also called: ANKRD11-Related KBG Syndrome. Identifiers: Orphanet 2332, MedGen C0220687, MONDO:0007846, OMIM 148050.

Submissions (9):

Laboratorio de Genetica e Diagnostico Molecular, Hospital Israelita Albert Einstein
Classification: Pathogenic for KBG syndrome. Last evaluated: 2025-06-06. Review status: criteria provided, single submitter. Criteria: ACMG Guidelines, 2015. Collection method: clinical testing. Allele origin: germline. Affected: yes.
Comment: ACMG classification criteria: PVS1 very strong, PS4 supporting, PM2 supporting

Labcorp Genetics (formerly Invitae), Labcorp
Classification: Pathogenic for KBG syndrome. Last evaluated: 2024-10-22. Review status: criteria provided, single submitter. Criteria: Invitae Variant Classification Sherloc (09022015). Collection method: clinical testing. Allele origin: germline.
Comment: This sequence change creates a premature translational stop signal (p.Arg458*) in the ANKRD11 gene. It is expected to result in an absent or disrupted protein product. Loss-of-function variants in ANKRD11 are known to be pathogenic (PMID: 21782149, 25125236, 25413698, 25652421). This variant is not present in population databases (gnomAD no frequency). This premature translational stop signal has been observed in individuals with KBG syndrome (PMID: 30202406, 35682590). ClinVar contains an entry for this variant (Variation ID: 694682). For these reasons, this variant has been classified as Pathogenic.

3billion
Classification: Pathogenic for KBG syndrome. Last evaluated: 2023-08-01. Review status: criteria provided, single submitter. Criteria: ACMG Guidelines, 2015. Collection method: clinical testing. Allele origin: germline. Affected: yes.
Comment: The variant is not observed in the gnomAD v2.1.1 dataset. Predicted Consequence/Location: Stop-gained (nonsense): predicted to result in a loss or disruption of normal protein function through nonsense-mediated decay (NMD) or protein truncation. Multiple pathogenic variants are reported downstream of the variant. The variant has been reported at least twice as pathogenic with clinical assertions and evidence for the classification (ClinVar ID: VCV000694682 /PMID: 30202406). Therefore, this variant is classified as Pathogenic according to the recommendation of ACMG/AMP guideline.

GeneDx
Classification: Pathogenic. Last evaluated: 2021-12-17. Review status: criteria provided, single submitter. Criteria: GeneDx Variant Classification Process June 2021. Collection method: clinical testing. Allele origin: germline. Affected: yes.
Comment: Nonsense variant predicted to result in protein truncation or nonsense mediated decay in a gene for which loss-of-function is a known mechanism of disease; Not observed in large population cohorts (gnomAD); This variant is associated with the following publications: (PMID: 30202406)

Institute for Clinical Genetics, University Hospital TU Dresden, University Hospital TU Dresden
Classification: Pathogenic. Last evaluated: 2021-11-03. Review status: criteria provided, single submitter. Criteria: ACMG Guidelines, 2015. Collection method: clinical testing. Allele origin: germline.

Medical Cytogenetics and Molecular Genetics Laboratory, IRCCS Istituto Auxologico Italiano
Classification: Pathogenic for KBG syndrome. Last evaluated: 2021-11-01. Review status: criteria provided, single submitter. Criteria: ACMG Guidelines, 2015. Collection method: research. Allele origin: germline. Affected: yes. Observed: 1 variant allele.

CeGaT Center for Human Genetics Tuebingen
Classification: Pathogenic. Last evaluated: 2021-09-01. Review status: criteria provided, single submitter. Criteria: CeGaT Center For Human Genetics Tuebingen Variant Classification Criteria Version 2. Collection method: clinical testing. Allele origin: germline. Affected: yes. Observed: 1 variant allele.

Daryl Scott Lab, Baylor College of Medicine
Classification: Pathogenic for KBG syndrome. Last evaluated: 2020-11-11. Review status: criteria provided, single submitter. Criteria: ACMG Guidelines, 2015. Collection method: clinical testing. Allele origin: paternal. Affected: yes. Observed: 1 variant allele.

Institute for Genomic Statistics and Bioinformatics, University Hospital Bonn
Classification: Pathogenic for KBG syndrome. Review status: criteria provided, single submitter. Criteria: ACMG Guidelines, 2015. Collection method: clinical testing. Allele origin: unknown. Affected: yes. Observed: 1 variant allele.

Literature cited by the submitters: PubMed 21782149 (cited by Labcorp Genetics (formerly Invitae), Labcorp); PubMed 25125236 (cited by Labcorp Genetics (formerly Invitae), Labcorp); PubMed 25413698 (cited by Labcorp Genetics (formerly Invitae), Labcorp); PubMed 25652421 (cited by Labcorp Genetics (formerly Invitae), Labcorp); PubMed 30202406 (cited by Labcorp Genetics (formerly Invitae), Labcorp and 3billion); PubMed 35682590 (cited by Labcorp Genetics (formerly Invitae), Labcorp); PubMed 33461977 (cited by Daryl Scott Lab, Baylor College of Medicine).